The following is an entry in ClinVar:

ClinVar aggregate classification (germline): Uncertain significance (1 of 4 stars; one submission).

Conditions:
Primary dilated cardiomyopathy (DCM). Also called: Dilated Cardiomyopathy. Identifiers: Orphanet 217604, MedGen C0007193, MeSH D002311, MONDO:0005021, HP:0001644. Inheritance: Various modes of inheritance.
Hypertrophic cardiomyopathy. Also called: HYPERTROPHIC MYOCARDIOPATHY. Identifiers: Orphanet 217569, MedGen C0007194, MeSH D002312, MONDO:0005045, HP:0001639.

Submission:

Labcorp Genetics (formerly Invitae), Labcorp
Classification: Uncertain significance for Hypertrophic cardiomyopathy; Primary dilated cardiomyopathy. Last evaluated: 2024-07-08. Review status: criteria provided, single submitter. Criteria: Invitae Variant Classification Sherloc (09022015). Collection method: clinical testing. Allele origin: germline.
Comment: This sequence change falls in intron 4 of the PDLIM3 gene. It does not directly change the encoded amino acid sequence of the PDLIM3 protein. This variant is present in population databases (rs772601097, gnomAD 0.003%). This variant has not been reported in the literature in individuals affected with PDLIM3-related conditions. Experimental studies and prediction algorithms are not available or were not evaluated, and the effect of this variant on mRNA splicing is currently unknown. In summary, the available evidence is currently insufficient to determine the role of this variant in disease. Therefore, it has been classified as a Variant of Uncertain Significance.

NM_014476.6(PDLIM3):c.399-3_399-2del

Gene: PDLIM3 (PDZ and LIM domain 3; minus strand). Cytogenetic location: 4q35.1.
Variant type: Microsatellite.
Coding change: c.399-3_399-2del on transcript NM_014476.6 (MANE Select); 3 bases into the intron before coding-DNA position 399 through the canonical splice acceptor site of the intron before coding-DNA position 399, 2 bases deleted (CA; older notation c.399-3_399-2delCA).
Molecular consequence: splice acceptor variant. On other transcripts: intron variant (3).
Genome position (GRCh38, 1-based): chr4:185,508,564-185,508,565, TG deleted on the plus strand (CA on the coding strand, the reverse complement: PDLIM3 is on the minus strand); deleting any 2 consecutive bases within chr4:185,508,564-185,508,568 gives the same sequence; the c. name uses the placement nearest the transcript's 3' end. VCF-style (leftmost placement, unchanged base first): chr4-185508563-CTG-C. GRCh37 (hg19) VCF-style: chr4-186429717-CTG-C.
Other names: c.162-1913_162-1912del (NM_001257963.2); c.399-1913_399-1912del (NM_001257962.2); c.519-1913_519-1912del (NM_001114107.5).
Identifiers: ClinVar variation 1364250 (VCV001364250.6), dbSNP rs772601097, ClinGen allele CA3159783.